The following is an entry in ClinVar:

NM_025114.4(CEP290):c.3992del (p.Glu1330_Leu1331insTer)

Gene: CEP290 (centrosomal protein 290; minus strand). Cytogenetic location: 12q21.32.
Variant type: Deletion.
Coding change: c.3992del on transcript NM_025114.4 (MANE Select); coding-DNA position 3992, one base deleted (T; older notation c.3992delT).
Protein change: p.Glu1330_Leu1331insTer.
Molecular consequence: nonsense.
Genome position (GRCh38, 1-based): chr12:88,089,069, A deleted on the plus strand (T on the coding strand, the reverse complement: CEP290 is on the minus strand); the first of 2 consecutive A bases (chr12:88,089,069-88,089,070); deleting either gives the same sequence. VCF-style (leftmost placement, unchanged base first): chr12-88089068-TA-T. GRCh37 (hg19) VCF-style: chr12-88482845-TA-T.
Identifiers: ClinVar variation 4064356 (VCV004064356.3).

ClinVar aggregate classification (germline): Pathogenic/Likely pathogenic. Review status: criteria provided, multiple submitters, no conflicts (2 of 4 stars). 2 submissions from 2 submitters: Pathogenic (1); Likely pathogenic (1). Last evaluated 2025-09-21.

Conditions:
Joubert syndrome. Also called: CEREBELLOPARENCHYMAL DISORDER IV; JOUBERT-BOLTSHAUSER SYNDROME; Familial aplasia of the vermis. Identifiers: Orphanet 475, MedGen C5979921, MONDO:0018772.
Nephronophthisis. Also called: Juvenile Nephronophthisis. Identifiers: Orphanet 655, MedGen C0687120, MONDO:0019005, HP:0000090.
Meckel-Gruber syndrome. Also called: DYSENCEPHALIA SPLANCHNOCYSTICA; GRUBER SYNDROME; Dysencephalia splachnocystica. Identifiers: Orphanet 564, MedGen C0265215, MONDO:0018921.
Leber congenital amaurosis (LCA). Also called: Leber's amaurosis. Identifiers: Orphanet 65, MedGen C0339527, MeSH D057130, MONDO:0018998.

Submissions (2):

Labcorp Genetics (formerly Invitae), Labcorp
Classification: Pathogenic for Joubert syndrome; Meckel-Gruber syndrome; Nephronophthisis. Last evaluated: 2025-09-21. Review status: criteria provided, single submitter. Criteria: Invitae Variant Classification Sherloc (09022015). Collection method: clinical testing. Allele origin: germline.
Comment: This sequence change creates a premature translational stop signal (p.Leu1331*) in the CEP290 gene. It is expected to result in an absent or disrupted protein product. Loss-of-function variants in CEP290 are known to be pathogenic (PMID: 16909394, 17345604, 20690115). This variant is not present in population databases (gnomAD no frequency). This variant has not been reported in the literature in individuals affected with CEP290-related conditions. For these reasons, this variant has been classified as Pathogenic.

Natera, Inc.
Classification: Likely pathogenic for Leber congenital amaurosis. Last evaluated: 2025-08-11. Review status: criteria provided, single submitter. Criteria: Natera Variant Classification Schema (03/2026). Collection method: clinical testing. Allele origin: germline.
Comment: The c.3992del variant in CEP290 is a frameshift variant predicted to shift the reading frame and introduce a stop codon. This variant is expected to result in nonsense mediated decay, truncation, or a dysfunctional protein product. This variant is rare in the general population with a frequency below the threshold expected for the associated phenotype(s). Given the available evidence, this variant is classified as Likely Pathogenic.

Literature cited by the submitters: PubMed 16909394 (cited by Labcorp Genetics (formerly Invitae), Labcorp); PubMed 17345604 (cited by Labcorp Genetics (formerly Invitae), Labcorp); PubMed 20690115 (cited by Labcorp Genetics (formerly Invitae), Labcorp).